The following is an entry in ClinVar:

NM_152564.5(VPS13B):c.5457T>C (p.Ser1819=)

Gene: VPS13B (vacuolar protein sorting 13 homolog B; plus strand). Cytogenetic location: 8q22.2.
Variant type: single nucleotide variant.
Coding change: c.5457T>C on transcript NM_152564.5 (MANE Select); coding-DNA position 5457, T replaced by C.
Protein change: p.Ser1819=; no amino-acid change (serine 1819 retained).
Molecular consequence: synonymous variant.
Genome position (GRCh38, 1-based): chr8:99,642,047, T>C. VCF-style: chr8-99642047-T-C. GRCh37 (hg19) VCF-style: chr8-100654275-T-C.
Other names: c.5532T>C, p.Ser1844= (NM_017890.5).
Identifiers: ClinVar variation 3352945 (VCV003352945.1).
Genomic context (GRCh38, chr8:99,642,047, plus strand): 5'-CCAGTCATCAATTGTAAAAAATCTAAATTTTATTCCCTTTGACATATTTATTACTGCAAG[T>C]AGAATCTCACTAATGACCTATTCCTGTATGGCCTTATCCAAATCGAAATCACAAGAACAG-3'
Protein context (NP_689777.3, residues 1809-1829): FIPFDIFITA[Ser1819=]RISLMTYSCM

ClinVar aggregate classification (germline): Likely benign (0 of 4 stars; one submission).

Conditions:
VPS13B-related disorder. Also called: VPS13B-related condition.

gnomAD v4.1: 1 of 1,614,104 alleles (0.000062%); highest among the groups gnomAD compares: Non-Finnish European, 0.000085%; no homozygotes.

Submission:

PreventionGenetics, part of Exact Sciences
Classification: Likely benign for VPS13B-related condition. Last evaluated: 2024-06-08. Review status: no assertion criteria provided. Collection method: clinical testing. Allele origin: germline.
Comment: This variant is classified as likely benign based on ACMG/AMP sequence variant interpretation guidelines (Richards et al. 2015 PMID: 25741868, with internal and published modifications).